The following is an entry in ClinVar:

NM_001365088.1(SLC12A6):c.1147TCA[1] (p.Ser384del)

Gene: SLC12A6 (solute carrier family 12 member 6; minus strand). Cytogenetic location: 15q14.
Variant type: Microsatellite.
Coding change: c.1147TCA[1] on transcript NM_001365088.1 (MANE Select); one copy of the 3-base unit TCA starting at c.1147; the reference has two copies in a row; one copy, 3 bases deleted.
Protein change: p.Ser384del; deletes serine 384.
Molecular consequence: inframe deletion.
Genome position (GRCh38, 1-based): chr15:34,252,351-34,252,353, TGA deleted on the plus strand (TCA on the coding strand, the reverse complement: SLC12A6 is on the minus strand); deleting any 3 consecutive bases within chr15:34,252,351-34,252,356 gives the same sequence; the position shown is the placement nearest the transcript's 3' end. VCF-style (leftmost placement, unchanged base first): chr15-34252350-TTGA-T. GRCh37 (hg19) VCF-style: chr15-34544551-TTGA-T.
Other names: c.970TCA[1], p.Ser325del (NM_001042494.2, NM_001042495.2); c.1120TCA[1], p.Ser375del (NM_001042496.2); c.1102TCA[1], p.Ser369del (NM_001042497.2); c.994TCA[1], p.Ser333del (NM_005135.2); c.1147TCA[1], p.Ser384del (NM_133647.2); short protein forms S325del, S333del, S369del, S375del, S384del.
Identifiers: ClinVar variation 1313789 (VCV001313789.2), dbSNP rs1892450807, ClinGen allele CA2497387370.
Genomic context (GRCh38, chr15:34,252,350, plus strand): 5'-ACTTTGATGGGACTGTCATGTTGTTAATTTCCTTGGTCTTAGAGCAAACGTCAATGTGTC[TTGA>T]TGAAAGGGTGCGGTTACCCAGCATGCAGACCCTAAGTGAAAAGAAATAGGGAGAAAGATC-3'

ClinVar aggregate classification (germline): Uncertain significance (1 of 4 stars; one submission).

Submission:

GeneDx
Classification: Uncertain significance. Last evaluated: 2020-12-29. Review status: criteria provided, single submitter. Criteria: GeneDx Variant Classification Process June 2021. Collection method: clinical testing. Allele origin: germline. Affected: yes.
Comment: Not observed in large population cohorts (Lek et al., 2016); In-frame deletion of 1 amino acid in a non-repeat region; In silico analysis supports a deleterious effect on protein structure/function; Has not been previously published as pathogenic or benign to our knowledge